The following is an entry in ClinVar:

ClinVar aggregate classification (germline): Uncertain significance. Review status: criteria provided, multiple submitters, no conflicts (2 of 4 stars). 2 submissions from 2 submitters: Uncertain significance (2). Last evaluated 2023-12-06.

Conditions:
Inborn genetic diseases. Identifiers: MedGen C0950123, MeSH D030342.

Allele frequency attached by ClinVar (database versions not stated): ExAC 0.00003.

Submissions (2):

Ambry Genetics
Classification: Uncertain significance for Inborn genetic diseases. Last evaluated: 2023-12-06. Review status: criteria provided, single submitter. Criteria: Ambry Variant Classification Scheme 2023. Collection method: clinical testing. Allele origin: germline.

Labcorp Genetics (formerly Invitae), Labcorp
Classification: Uncertain significance. Last evaluated: 2022-11-15. Review status: criteria provided, single submitter. Criteria: Invitae Variant Classification Sherloc (09022015). Collection method: clinical testing. Allele origin: germline.
Comment: In summary, the available evidence is currently insufficient to determine the role of this variant in disease. Therefore, it has been classified as a Variant of Uncertain Significance. Algorithms developed to predict the effect of missense changes on protein structure and function are either unavailable or do not agree on the potential impact of this missense change (SIFT: "Deleterious"; PolyPhen-2: "Possibly Damaging"; Align-GVGD: "Class C0"). ClinVar contains an entry for this variant (Variation ID: 1441536). This variant has not been reported in the literature in individuals affected with CREB3L1-related conditions. This variant is not present in population databases (gnomAD no frequency). This sequence change replaces tryptophan, which is neutral and slightly polar, with cysteine, which is neutral and slightly polar, at codon 504 of the CREB3L1 protein (p.Trp504Cys).

NM_052854.4(CREB3L1):c.1512G>T (p.Trp504Cys)

Gene: CREB3L1 (cAMP responsive element binding protein 3 like 1; plus strand). Cytogenetic location: 11p11.2.
Variant type: single nucleotide variant.
Coding change: c.1512G>T on transcript NM_052854.4 (MANE Select); coding-DNA position 1512, G replaced by T.
Protein change: p.Trp504Cys; replaces tryptophan 504 with cysteine.
Molecular consequence: missense variant.
Genome position (GRCh38, 1-based): chr11:46,320,517, G>T. VCF-style: chr11-46320517-G-T. GRCh37 (hg19) VCF-style: chr11-46342068-G-T.
Other names: c.1512G>T (NM_052854.2); short protein forms W504C.
Identifiers: ClinVar variation 1441536 (VCV001441536.7), dbSNP rs770830675, ClinGen allele CA5961898.